The following is an entry in ClinVar:

NM_001267727.2(ARSG):c.862G>A (p.Asp288Asn)

Gene: ARSG (arylsulfatase G; plus strand). Cytogenetic location: 17q24.2.
Variant type: single nucleotide variant.
Coding change: c.862G>A on transcript NM_001267727.2 (MANE Select); coding-DNA position 862, G replaced by A.
Protein change: p.Asp288Asn; replaces aspartic acid 288 with asparagine.
Molecular consequence: missense variant.
Genome position (GRCh38, 1-based): chr17:68,368,705, G>A. VCF-style: chr17-68368705-G-A. GRCh37 (hg19) VCF-style: chr17-66364846-G-A.
Other names: c.862G>A, p.Asp288Asn (NM_001352899.2, NM_001352900.2, NM_001352901.2 and 3 more transcripts); c.859G>A, p.Asp287Asn (NM_001352903.2, NM_001352904.2, NM_001352905.2 and 2 more transcripts); c.814G>A, p.Asp272Asn (NM_001352909.2); short protein forms D287N, D272N, D288N.
Identifiers: ClinVar variation 1449852 (VCV001449852.6), dbSNP rs903541725, ClinGen allele CA293299121.

ClinVar aggregate classification (germline): Uncertain significance (1 of 4 stars; one submission).

Allele frequency attached by ClinVar (database versions not stated): gnomAD 0.00002; TOPMed 0.00002.
gnomAD v4.1: 5 of 1,613,780 alleles (0.00031%); highest among the groups gnomAD compares: African/African-American, 0.0067%; no homozygotes.

Submission:

Labcorp Genetics (formerly Invitae), Labcorp
Classification: Uncertain significance. Last evaluated: 2022-06-13. Review status: criteria provided, single submitter. Criteria: Invitae Variant Classification Sherloc (09022015). Collection method: clinical testing. Allele origin: germline.
Comment: In summary, the available evidence is currently insufficient to determine the role of this variant in disease. Therefore, it has been classified as a Variant of Uncertain Significance. Algorithms developed to predict the effect of missense changes on protein structure and function are either unavailable or do not agree on the potential impact of this missense change (SIFT: "Tolerated"; PolyPhen-2: "Possibly Damaging"; Align-GVGD: "Class C0"). This variant has not been reported in the literature in individuals affected with ARSG-related conditions. This variant is not present in population databases (gnomAD no frequency). This sequence change replaces aspartic acid, which is acidic and polar, with asparagine, which is neutral and polar, at codon 288 of the ARSG protein (p.Asp288Asn).